The following is an entry in ClinVar:

NM_000901.5(NR3C2):c.215C>G (p.Pro72Arg)

Gene: NR3C2 (nuclear receptor subfamily 3 group C member 2; minus strand). Cytogenetic location: 4q31.23.
Variant type: single nucleotide variant.
Coding change: c.215C>G on transcript NM_000901.5 (MANE Select); coding-DNA position 215, C replaced by G.
Protein change: p.Pro72Arg; replaces proline 72 with arginine.
Molecular consequence: missense variant. On other transcripts: non-coding transcript variant (1).
Genome position (GRCh38, 1-based): chr4:148,436,646, G>C on the plus strand (C>G on the coding strand, the complement: NR3C2 is on the minus strand). VCF-style: chr4-148436646-G-C. GRCh37 (hg19) VCF-style: chr4-149357798-G-C.
Other names: c.215C>G, p.Pro72Arg (NM_001166104.2, NM_001354819.1); short protein forms P72R.
Identifiers: ClinVar variation 900828 (VCV000900828.4), dbSNP rs1750090601, ClinGen allele CA358250065.

ClinVar aggregate classification (germline): Uncertain significance (1 of 4 stars; one submission).

Conditions:
Autosomal dominant pseudohypoaldosteronism type 1. Also called: Pseudohypoaldosteronism, Type I, Dominant; Pseudohypoaldosteronism, Type I, Autosomal Dominant; PHA I, AUTOSOMAL DOMINANT. Identifiers: Orphanet 171871, Orphanet 756, MedGen C1449842, MONDO:0008329, OMIM 177735.

Submission:

Illumina Laboratory Services, Illumina
Classification: Uncertain significance for Autosomal dominant pseudohypoaldosteronism type 1. Last evaluated: 2017-04-28. Review status: criteria provided, single submitter. Criteria: ICSL Variant Classification Criteria 13 December 2019. Collection method: clinical testing. Allele origin: germline.
Comment: This variant was observed as part of a predisposition screen in an ostensibly healthy population. A literature search was performed for the gene, cDNA change, and amino acid change (where applicable). Publications were found based on this search. However, the evidence from the literature, in combination with allele frequency data from public databases where available, was not sufficient to rule this variant in or out of causing disease. Therefore, this variant is classified as a variant of unknown significance.

Literature cited by the submitters: PubMed 25251996; PubMed 20030467.